The following is an entry in ClinVar:

NM_006929.5(SKIC2):c.2470A>G (p.Met824Val)

Gene: SKIC2 (SKI2 subunit of superkiller complex; plus strand). Cytogenetic location: 6p21.33.
Variant type: single nucleotide variant.
Coding change: c.2470A>G on transcript NM_006929.5 (MANE Select); coding-DNA position 2470, A replaced by G.
Protein change: p.Met824Val; replaces methionine 824 with valine.
Molecular consequence: missense variant.
Genome position (GRCh38, 1-based): chr6:31,967,133, A>G. VCF-style: chr6-31967133-A-G. GRCh37 (hg19) VCF-style: chr6-31934910-A-G.
Other names: c.2470A>G (NM_006929.4); short protein forms M824V.
Identifiers: ClinVar variation 1500659 (VCV001500659.9), dbSNP rs373423480, ClinGen allele CA3729775.
Genomic context (GRCh38, chr6:31,967,133, plus strand): 5'-CAACTGGTCGACCTGCCTGAATATTACAGCTGGGGGGAGGAACTGACAGAGACCCAGCAC[A>G]TGATCCAGGTGAGCAAGTGTGAGTGCTGAGGAGGTGATAGGAGAAGGGAAGAGAAGATCG-3'
Protein context (NP_008860.4, residues 814-834): WGEELTETQH[Met824Val]IQRRIMESVN

ClinVar aggregate classification (germline): Uncertain significance. Review status: criteria provided, multiple submitters, no conflicts (2 of 4 stars). 4 submissions from 4 submitters: Uncertain significance (4). Last evaluated 2026-04-01.

Conditions:
Inborn genetic diseases. Identifiers: MedGen C0950123, MeSH D030342.

Allele frequency attached by ClinVar (database versions not stated): ExAC 0.00006; gnomAD exomes 0.00009 and 0.00019; TOPMed 0.00009; ESP Exome Variant Server 0.00012; gnomAD 0.00013 and 0.00014.
gnomAD v4.1: 283 of 1,610,718 alleles (0.018%); highest among the groups gnomAD compares: Non-Finnish European, 0.023%; no homozygotes.

Submissions (4):

CeGaT Center for Human Genetics Tuebingen
Classification: Uncertain significance. Last evaluated: 2026-04-01. Review status: criteria provided, single submitter. Criteria: CeGaT Center For Human Genetics Tuebingen Variant Classification Criteria Version 2. Collection method: clinical testing. Allele origin: germline. Affected: yes. Observed: 1 variant allele.
Comment: SKIC2: PM2, BP4

Ambry Genetics
Classification: Uncertain significance for Inborn genetic diseases. Last evaluated: 2025-06-24. Review status: criteria provided, single submitter. Criteria: Ambry Variant Classification Scheme 2023. Collection method: clinical testing. Allele origin: germline.

GeneDx
Classification: Uncertain significance. Last evaluated: 2023-11-22. Review status: criteria provided, single submitter. Criteria: GeneDx Variant Classification Process June 2021. Collection method: clinical testing. Allele origin: germline. Affected: yes.
Comment: In silico analysis supports that this missense variant does not alter protein structure/function; Has not been previously published as pathogenic or benign to our knowledge

Labcorp Genetics (formerly Invitae), Labcorp
Classification: Uncertain significance. Last evaluated: 2022-08-19. Review status: criteria provided, single submitter. Criteria: Invitae Variant Classification Sherloc (09022015). Collection method: clinical testing. Allele origin: germline.
Comment: This sequence change replaces methionine, which is neutral and non-polar, with valine, which is neutral and non-polar, at codon 824 of the SKIV2L protein (p.Met824Val). This variant is present in population databases (rs373423480, gnomAD 0.02%). This variant has not been reported in the literature in individuals affected with SKIV2L-related conditions. ClinVar contains an entry for this variant (Variation ID: 1500659). Algorithms developed to predict the effect of missense changes on protein structure and function output the following: SIFT: "Tolerated"; PolyPhen-2: "Benign"; Align-GVGD: "Class C0". The valine amino acid residue is found in multiple mammalian species, which suggests that this missense change does not adversely affect protein function. In summary, the available evidence is currently insufficient to determine the role of this variant in disease. Therefore, it has been classified as a Variant of Uncertain Significance.